The following is an entry in ClinVar:

ClinVar aggregate classification (germline): Uncertain significance (1 of 4 stars; one submission).

Conditions:
Propionic acidemia (PROP). Also called: KETOTIC HYPERGLYCINEMIA; GLYCINEMIA, KETOTIC; HYPERGLYCINEMIA WITH KETOACIDOSIS AND LEUKOPENIA. Identifiers: Orphanet 35, MedGen C0268579, MONDO:0011628, OMIM 606054, HP:0003571.

Allele frequency attached by ClinVar (database versions not stated): gnomAD exomes 0.00002 and 0.00004; ExAC 0.00007.
gnomAD v4.1: 33 of 1,614,062 alleles (0.002%); highest among the groups gnomAD compares: Middle Eastern, 0.017%; no homozygotes.

Submission:

Labcorp Genetics (formerly Invitae), Labcorp
Classification: Uncertain significance for Propionic acidemia. Last evaluated: 2024-10-14. Review status: criteria provided, single submitter. Criteria: Invitae Variant Classification Sherloc (09022015). Collection method: clinical testing. Allele origin: germline.
Comment: This sequence change replaces asparagine, which is neutral and polar, with serine, which is neutral and polar, at codon 452 of the PCCB protein (p.Asn452Ser). This variant is present in population databases (rs746240889, gnomAD 0.006%). This variant has not been reported in the literature in individuals affected with PCCB-related conditions. ClinVar contains an entry for this variant (Variation ID: 1415569). Invitae Evidence Modeling of protein sequence and biophysical properties (such as structural, functional, and spatial information, amino acid conservation, physicochemical variation, residue mobility, and thermodynamic stability) has been performed for this missense variant. However, the output from this modeling did not meet the statistical confidence thresholds required to predict the impact of this variant on PCCB protein function. In summary, the available evidence is currently insufficient to determine the role of this variant in disease. Therefore, it has been classified as a Variant of Uncertain Significance.

NM_000532.5(PCCB):c.1355A>G (p.Asn452Ser)

Gene: PCCB (propionyl-CoA carboxylase subunit beta; plus strand). Cytogenetic location: 3q22.3.
Variant type: single nucleotide variant.
Coding change: c.1355A>G on transcript NM_000532.5 (MANE Select); coding-DNA position 1355, A replaced by G.
Protein change: p.Asn452Ser; replaces asparagine 452 with serine.
Molecular consequence: missense variant.
Genome position (GRCh38, 1-based): chr3:136,327,689, A>G. VCF-style: chr3-136327689-A-G. GRCh37 (hg19) VCF-style: chr3-136046531-A-G.
Other names: c.1415A>G, p.Asn472Ser (NM_001178014.2); short protein forms N452S, N472S.
Identifiers: ClinVar variation 1415569 (VCV001415569.6), dbSNP rs746240889, ClinGen allele CA2632154.